The following is an entry in ClinVar:

ClinVar aggregate classification (germline): Likely pathogenic (1 of 4 stars; one submission).

Conditions:
TH-deficient dopa-responsive dystonia. Also called: Segawa syndrome, autosomal recessive; DYT-TH; Tyrosine Hydroxylase-Deficient Dopa-Responsive Dystonia. Identifiers: Orphanet 101150, MedGen C2673535, MONDO:0011551, OMIM 605407.

Submission:

Myriad Genetics, Inc.
Classification: Likely pathogenic for TH-deficient dopa-responsive dystonia. Last evaluated: 2022-01-25. Review status: criteria provided, single submitter. Criteria: Myriad Women's Health Autosomal Recessive and X-Linked Classification Criteria (2021). Collection method: clinical testing. Allele origin: unknown.
Comment: NM_199292.2(TH):c.421delA(I141Sfs*4) is expected to be pathogenic in the context of tyrosine hydroxylase deficiency. This variant is predicted to lead to an abnormal or absent protein product due to the creation of a premature termination codon in TH, a gene where loss-of-function variants are known to be pathogenic. Please note: this variant was assessed in the context of healthy population screening.

NM_000360.4(TH):c.328del (p.Ile110fs)

Gene: TH (tyrosine hydroxylase; minus strand). Cytogenetic location: 11p15.5.
Variant type: Deletion.
Coding change: c.328del on transcript NM_000360.4 (MANE Select); coding-DNA position 328, one base deleted (A; older notation c.328delA).
Protein change: p.Ile110fs; shifts the reading frame from isoleucine 110.
Molecular consequence: frameshift variant.
Genome position (GRCh38, 1-based): chr11:2,168,650, T deleted on the plus strand (A on the coding strand, the reverse complement: TH is on the minus strand); the first of 4 consecutive T bases (chr11:2,168,650-2,168,653); deleting any one gives the same sequence. VCF-style (leftmost placement, unchanged base first): chr11-2168649-AT-A. GRCh37 (hg19) VCF-style: chr11-2189879-AT-A.
Other names: c.421del, p.Ile141fs (NM_199292.3); c.409del, p.Ile137fs (NM_199293.3); short protein forms I110fs, I137fs, I141fs.
Identifiers: ClinVar variation 1724088 (VCV001724088.2), dbSNP rs2495822166, ClinGen allele CA2580082638.